The following is an entry in ClinVar:

ClinVar aggregate classification (germline): Uncertain significance (1 of 4 stars; one submission).

Submission:

Labcorp Genetics (formerly Invitae), Labcorp
Classification: Uncertain significance. Last evaluated: 2022-03-14. Review status: criteria provided, single submitter. Criteria: Invitae Variant Classification Sherloc (09022015). Collection method: clinical testing. Allele origin: germline.
Comment: This sequence change replaces histidine, which is basic and polar, with aspartic acid, which is acidic and polar, at codon 370 of the PEPD protein (p.His370Asp). In summary, the available evidence is currently insufficient to determine the role of this variant in disease. Therefore, it has been classified as a Variant of Uncertain Significance. Algorithms developed to predict the effect of missense changes on protein structure and function (SIFT, PolyPhen-2, Align-GVGD) all suggest that this variant is likely to be disruptive. This variant has not been reported in the literature in individuals affected with PEPD-related conditions. This variant is not present in population databases (gnomAD no frequency).

NM_000285.4(PEPD):c.1108C>G (p.His370Asp)

Gene: PEPD (peptidase D; minus strand). Cytogenetic location: 19q13.11.
Variant type: single nucleotide variant.
Coding change: c.1108C>G on transcript NM_000285.4 (MANE Select); coding-DNA position 1108, C replaced by G.
Protein change: p.His370Asp; replaces histidine 370 with aspartic acid.
Molecular consequence: missense variant.
Genome position (GRCh38, 1-based): chr19:33,391,339, G>C on the plus strand (C>G on the coding strand, the complement: PEPD is on the minus strand). VCF-style: chr19-33391339-G-C. GRCh37 (hg19) VCF-style: chr19-33882245-G-C.
Other names: c.985C>G, p.His329Asp (NM_001166056.2); c.916C>G, p.His306Asp (NM_001166057.2); short protein forms H370D, H306D, H329D.
Identifiers: ClinVar variation 2112279 (VCV002112279.4), dbSNP rs2513380361, ClinGen allele CA405221771.
Genomic context (GRCh38, chr19:33,391,339, plus strand): 5'-CCATGTCCACACTGACCTCTGGGTAGCCTCCCACGTCGTGCACGTCAATGCCCAGGAAGT[G>C]GCCAAGCCCGTGAGGCATAAACACGGCCCCCAGGTGAGCCTGGACCATGGCGTCCACGCT-3'
Protein context (NP_000276.2, residues 360-380): GAVFMPHGLG[His370Asp]FLGIDVHDVG